The following is an entry in ClinVar:

NM_206933.4(USH2A):c.9119G>A (p.Trp3040Ter)

Gene: USH2A (usherin; minus strand). Cytogenetic location: 1q41.
Variant type: single nucleotide variant.
Coding change: c.9119G>A on transcript NM_206933.4 (MANE Select); coding-DNA position 9119, G replaced by A.
Protein change: p.Trp3040Ter; replaces tryptophan 3040 with a stop codon.
Molecular consequence: nonsense.
Genome position (GRCh38, 1-based): chr1:215,844,433, C>T on the plus strand (G>A on the coding strand, the complement: USH2A is on the minus strand). VCF-style: chr1-215844433-C-T. GRCh37 (hg19) VCF-style: chr1-216017775-C-T.
Other names: short protein forms W3040*.
Identifiers: ClinVar variation 555123 (VCV000555123.11), dbSNP rs1269642027, ClinGen allele CA344838994.

ClinVar aggregate classification (germline): Pathogenic/Likely pathogenic. Review status: criteria provided, multiple submitters, no conflicts (2 of 4 stars). 6 submissions from 5 submitters: Pathogenic (2); Likely pathogenic (2). 2 of the submissions do not count toward it. Last evaluated 2025-04-28.

Conditions:
Usher syndrome type 2A. Also called: RETINAL DISEASE IN USHER SYNDROME TYPE IIA, MODIFIER OF; USHER SYNDROME, TYPE IIA. Identifiers: Orphanet 231178, Orphanet 886, MedGen C1848634, MONDO:0010169, OMIM 276901.
Retinitis pigmentosa 39 (RP39). Identifiers: Orphanet 791, MedGen C3151138, MONDO:0013436, OMIM 613809.
USH2A-related disorder. Also called: USH2A-related disorders; USH2A-related condition. Identifiers: MedGen CN239332.

Allele frequency attached by ClinVar (database versions not stated): gnomAD exomes below 0.00001.

Submissions (6):

Labcorp Genetics (formerly Invitae), Labcorp
Classification: Pathogenic. Last evaluated: 2025-04-28. Review status: criteria provided, single submitter. Criteria: Invitae Variant Classification Sherloc (09022015). Collection method: clinical testing. Allele origin: germline.
Comment: This sequence change creates a premature translational stop signal (p.Trp3040*) in the USH2A gene. It is expected to result in an absent or disrupted protein product. Loss-of-function variants in USH2A are known to be pathogenic (PMID: 10729113, 10909849, 20507924, 25649381). This variant is present in population databases (no rsID available, gnomAD 0.0009%). This premature translational stop signal has been observed in individual(s) with Usher syndrome (PMID: 28005958, 30459346). In at least one individual the data is consistent with being in trans (on the opposite chromosome) from a pathogenic variant. ClinVar contains an entry for this variant (Variation ID: 555123). For these reasons, this variant has been classified as Pathogenic.

Blueprint Genetics
Classification: Pathogenic for USH2A-related disorders. Last evaluated: 2024-10-30. Review status: criteria provided, single submitter. Criteria: ACMG Guidelines, 2015. Collection method: clinical testing. Allele origin: germline. Affected: yes. Observed: 4 variant alleles.

Genome-Nilou Lab
Classification: Likely pathogenic for Retinitis pigmentosa 39. Last evaluated: 2023-11-04. Review status: criteria provided, single submitter. Criteria: ACMG Guidelines, 2015. Collection method: clinical testing. Allele origin: germline. Affected: no.

Genome-Nilou Lab
Classification: Likely pathogenic for Usher syndrome type 2A. Last evaluated: 2023-11-04. Review status: criteria provided, single submitter. Criteria: ACMG Guidelines, 2015. Collection method: clinical testing. Allele origin: germline. Affected: no.

Natera, Inc.
Classification: Pathogenic for Usher syndrome type 2A. Last evaluated: 2020-09-09. Review status: no assertion criteria provided. Collection method: clinical testing. Allele origin: germline. Not counted in ClinVar's aggregate classification.

Counsyl
Classification: Likely pathogenic for Usher syndrome type 2A; Retinitis pigmentosa 39. Last evaluated: 2017-11-17. Review status: no assertion criteria provided. Collection method: clinical testing. Allele origin: unknown. Not counted in ClinVar's aggregate classification.

Literature cited by the submitters: PubMed 10729113 (cited by Labcorp Genetics (formerly Invitae), Labcorp); PubMed 10909849 (cited by Labcorp Genetics (formerly Invitae), Labcorp); PubMed 20507924 (cited by Labcorp Genetics (formerly Invitae), Labcorp); PubMed 25649381 (cited by Labcorp Genetics (formerly Invitae), Labcorp); PubMed 28005958 (cited by Labcorp Genetics (formerly Invitae), Labcorp and Counsyl); PubMed 30459346 (cited by Labcorp Genetics (formerly Invitae), Labcorp).